The following is an entry in ClinVar:

ClinVar aggregate classification (germline): Uncertain significance. Review status: criteria provided, multiple submitters, no conflicts (2 of 4 stars). 3 submissions from 3 submitters: Uncertain significance (3). Last evaluated 2025-08-13.

Conditions:
Hereditary cancer-predisposing syndrome. Also called: Hereditary neoplastic syndrome; Tumor predisposition; Neoplastic Syndromes, Hereditary; Hereditary Cancer Syndrome. Identifiers: Orphanet 140162, MedGen C0027672, MeSH D009386, MONDO:0015356.
Familial cancer of breast. Also called: hereditary breast carcinoma; BREAST CANCER, FAMILIAL; Hereditary breast cancer. Identifiers: Orphanet 227535, MedGen C0346153, MONDO:0016419, OMIM 114480. Disease mechanism: loss of function.

Allele frequency attached by ClinVar (database versions not stated): gnomAD exomes below 0.00001 and 0.00001; ExAC 0.00001.
gnomAD v4.1: 3 of 1,613,716 alleles (0.00019%); highest among the groups gnomAD compares: Admixed American, 0.0033%; no homozygotes.

Submissions (3):

Color Diagnostics, LLC DBA Color Health
Classification: Uncertain significance for Hereditary cancer-predisposing syndrome. Last evaluated: 2025-08-13. Review status: criteria provided, single submitter. Criteria: ACMG Guidelines, 2015. Collection method: clinical testing. Allele origin: germline.
Comment: This missense variant replaces aspartic acid with histidine at codon 89 of the PALB2 protein. Computational prediction suggests that this variant may not impact protein structure and function. To our knowledge, functional studies have not been reported for this variant. This variant has not been reported in individuals affected with hereditary cancer in the literature. This variant has been identified in 1/251090 chromosomes in the general population by the Genome Aggregation Database (gnomAD). The available evidence is insufficient to determine the role of this variant in disease conclusively. Therefore, this variant is classified as a Variant of Uncertain Significance.

Labcorp Genetics (formerly Invitae), Labcorp
Classification: Uncertain significance for Familial cancer of breast. Last evaluated: 2025-08-07. Review status: criteria provided, single submitter. Criteria: Invitae Variant Classification Sherloc (09022015). Collection method: clinical testing. Allele origin: germline.
Comment: This sequence change replaces aspartic acid, which is acidic and polar, with histidine, which is basic and polar, at codon 89 of the PALB2 protein (p.Asp89His). This variant is present in population databases (rs769790850, gnomAD 0.003%). This variant has not been reported in the literature in individuals affected with PALB2-related conditions. ClinVar contains an entry for this variant (Variation ID: 571084). An algorithm developed to predict the effect of missense changes on protein structure and function (PolyPhen-2) suggests that this variant is likely to be tolerated. In summary, the available evidence is currently insufficient to determine the role of this variant in disease. Therefore, it has been classified as a Variant of Uncertain Significance.

Ambry Genetics
Classification: Uncertain significance for Hereditary cancer-predisposing syndrome. Last evaluated: 2023-12-05. Review status: criteria provided, single submitter. Criteria: Ambry Variant Classification Scheme 2023. Collection method: clinical testing. Allele origin: germline.
Comment: The p.D89H variant (also known as c.265G>C), located in coding exon 4 of the PALB2 gene, results from a G to C substitution at nucleotide position 265. The aspartic acid at codon 89 is replaced by histidine, an amino acid with similar properties. This amino acid position is not well conserved in available vertebrate species. In addition, this alteration is predicted to be tolerated by in silico analysis. Since supporting evidence is limited at this time, the clinical significance of this alteration remains unclear.

NM_024675.4(PALB2):c.265G>C (p.Asp89His)

Gene: PALB2 (partner and localizer of BRCA2; minus strand). Cytogenetic location: 16p12.2.
Variant type: single nucleotide variant.
Coding change: c.265G>C on transcript NM_024675.4 (MANE Select); coding-DNA position 265, G replaced by C.
Protein change: p.Asp89His; replaces aspartic acid 89 with histidine.
Molecular consequence: missense variant.
Genome position (GRCh38, 1-based): chr16:23,636,281, C>G on the plus strand (G>C on the coding strand, the complement: PALB2 is on the minus strand). VCF-style: chr16-23636281-C-G. GRCh37 (hg19) VCF-style: chr16-23647602-C-G.
Other names: short protein forms D89H.
Identifiers: ClinVar variation 571084 (VCV000571084.17), dbSNP rs769790850, ClinGen allele CA7963806.